The following is an entry in ClinVar:

NM_024408.4(NOTCH2):c.6411G>C (p.Glu2137Asp)

Gene: NOTCH2 (notch receptor 2; minus strand). Cytogenetic location: 1p12.
Variant type: single nucleotide variant.
Coding change: c.6411G>C on transcript NM_024408.4 (MANE Select); coding-DNA position 6411, G replaced by C.
Protein change: p.Glu2137Asp; replaces glutamic acid 2137 with aspartic acid.
Molecular consequence: missense variant.
Genome position (GRCh38, 1-based): chr1:119,916,311, C>G on the plus strand (G>C on the coding strand, the complement: NOTCH2 is on the minus strand). VCF-style: chr1-119916311-C-G. GRCh37 (hg19) VCF-style: chr1-120458934-C-G.
Other names: short protein forms E2137D.
Identifiers: ClinVar variation 4739894 (VCV004739894.1).

ClinVar aggregate classification (germline): Uncertain significance (1 of 4 stars; one submission).

Conditions:
Hajdu-Cheney syndrome (HJCYS). Also called: Acroosteolysis dominant type; ACROOSTEOLYSIS WITH OSTEOPOROSIS AND CHANGES IN SKULL AND MANDIBLE; SERPENTINE FIBULA-POLYCYSTIC KIDNEY SYNDROME. Identifiers: Orphanet 955, MedGen C0917715, MONDO:0007057, OMIM 102500.

gnomAD v4.1: 16 of 1,614,086 alleles (0.00099%); highest among the groups gnomAD compares: Non-Finnish European, 0.0013%; no homozygotes.

Submission:

Labcorp Genetics (formerly Invitae), Labcorp
Classification: Uncertain significance for Hajdu-Cheney syndrome. Last evaluated: 2025-12-03. Review status: criteria provided, single submitter. Criteria: Invitae Variant Classification Sherloc (09022015). Collection method: clinical testing. Allele origin: germline.
Comment: This sequence change replaces glutamic acid, which is acidic and polar, with aspartic acid, which is acidic and polar, at codon 2137 of the NOTCH2 protein (p.Glu2137Asp). This variant is not present in population databases (gnomAD no frequency). This variant has not been reported in the literature in individuals affected with NOTCH2-related conditions. Invitae Evidence Modeling of protein sequence and biophysical properties (such as structural, functional, and spatial information, amino acid conservation, physicochemical variation, residue mobility, and thermodynamic stability) indicates that this missense variant is not expected to disrupt NOTCH2 protein function with a negative predictive value of 80%. In summary, the available evidence is currently insufficient to determine the role of this variant in disease. Therefore, it has been classified as a Variant of Uncertain Significance.